The following is an entry in ClinVar:

ClinVar aggregate classification (germline): Uncertain significance (1 of 4 stars; one submission).

Submission:

GeneDx
Classification: Uncertain significance. Last evaluated: 2025-01-15. Review status: criteria provided, single submitter. Criteria: GeneDx Variant Classification Process June 2021. Collection method: clinical testing. Allele origin: germline.
Comment: Nonsense variant predicted to result in protein truncation or nonsense mediated decay in a gene or region of a gene for which loss of function is not a well-established mechanism of disease; Not observed at significant frequency in large population cohorts (gnomAD); Has not been previously published as pathogenic or benign to our knowledge

NM_032482.3(DOT1L):c.3271C>T (p.Arg1091Ter)

Gene: DOT1L (DOT1 like histone lysine methyltransferase; plus strand). Cytogenetic location: 19p13.3.
Variant type: single nucleotide variant.
Coding change: c.3271C>T on transcript NM_032482.3 (MANE Select); coding-DNA position 3271, C replaced by T.
Protein change: p.Arg1091Ter; replaces arginine 1091 with a stop codon.
Molecular consequence: nonsense.
Genome position (GRCh38, 1-based): chr19:2,222,440, C>T. VCF-style: chr19-2222440-C-T. GRCh37 (hg19) VCF-style: chr19-2222439-C-T.
Other names: c.3271C>T, p.Arg1091Ter (NM_001411141.1); short protein forms R1091*.
Identifiers: ClinVar variation 3367753 (VCV003367753.2).